The following is an entry in ClinVar:

ClinVar aggregate classification (germline): Likely pathogenic. Review status: criteria provided, single submitter (1 of 4 stars). 2 submissions from 2 submitters: Likely pathogenic (1). 1 of the submissions does not count toward it. Last evaluated 2026-09-15.

Conditions:
Neurodevelopmental disorder with impaired speech and hyperkinetic movements. Identifiers: MedGen C5193088, MONDO:0032741, OMIM 618425.

Allele frequency attached by ClinVar (database versions not stated): gnomAD 0.00001; gnomAD exomes 0.00001; TOPMed 0.00002.
gnomAD v4.1: 14 of 1,614,036 alleles (0.00087%); highest among the groups gnomAD compares: Non-Finnish European, 0.0011%; no homozygotes.

Submissions (2):

GeneDx
Classification: Likely pathogenic. Last evaluated: 2026-09-15. Review status: criteria provided, single submitter. Criteria: GeneDx Variant Classification Process June 2021. Collection method: clinical testing. Allele origin: germline.
Comment: Nonsense variant predicted to result in protein truncation or nonsense mediated decay in a gene for which loss of function is a known mechanism of disease; Not observed at significant frequency in large population cohorts (gnomAD); Has not been previously published as pathogenic or benign to our knowledge

Clinical Laboratory Sciences Program (CLSP), King Saud bin Abdulaziz University for Health Sciences (KSAU-HS)
Classification: Likely pathogenic for Neurodevelopmental disorder with impaired speech and hyperkinetic movements. Review status: no assertion criteria provided. Collection method: clinical testing. Allele origin: germline. Affected: yes. Not counted in ClinVar's aggregate classification.

NM_001379659.1(ZNF142):c.1915C>T (p.Arg639Ter)

Gene: ZNF142 (zinc finger protein 142; minus strand). Cytogenetic location: 2q35.
Variant type: single nucleotide variant.
Coding change: c.1915C>T on transcript NM_001379659.1 (MANE Select); coding-DNA position 1915, C replaced by T.
Protein change: p.Arg639Ter; replaces arginine 639 with a stop codon.
Molecular consequence: nonsense.
Genome position (GRCh38, 1-based): chr2:218,646,307, G>A on the plus strand (C>T on the coding strand, the complement: ZNF142 is on the minus strand). VCF-style: chr2-218646307-G-A. GRCh37 (hg19) VCF-style: chr2-219511030-G-A.
Other names: c.1315C>T, p.Arg439Ter (NM_001105537.5, NM_001366291.3, NM_001379662.1); c.826C>T, p.Arg276Ter (NM_001366287.3, NM_001366288.3, NM_001366289.3); c.1915C>T, p.Arg639Ter (NM_001366290.3, NM_001379660.1, NM_001379661.1); short protein forms R276*, R439*, R639*.
Identifiers: ClinVar variation 2499388 (VCV002499388.24), dbSNP rs989952079, ClinGen allele CA65799656.
Genomic context (GRCh38, chr2:218,646,307, plus strand): 5'-ACATGTAATCCTTGGTGTTGGAGTGGGTCAGCATGTGCTTGGATAGGTAGCTCACGTCTC[G>A]GCATGTGAAGTCACACAGCTCACACTTGTGGGGCTTCTCACCTTATATGGGGGATGCGGA-3'